The following is an entry in ClinVar:

ClinVar aggregate classification (germline): Benign/Likely benign. Review status: criteria provided, multiple submitters, no conflicts (2 of 4 stars). 3 submissions from 3 submitters: Benign (1); Likely benign (2). Last evaluated 2025-11-03.

Conditions:
Mitochondrial complex II deficiency, nuclear type 1. Also called: SUCCINATE CoQ REDUCTASE DEFICIENCY. Identifiers: Orphanet 3208, MedGen C5700310, MONDO:0100294, OMIM 252011.
Pheochromocytoma/paraganglioma syndrome 5. Also called: Paragangliomas 5; SDHA-Related Hereditary Paraganglioma-Pheochromocytoma Syndrome. Identifiers: Orphanet 29072, MedGen C3279992, MONDO:0013602, OMIM 614165.
Hereditary cancer-predisposing syndrome. Also called: Hereditary Cancer Syndrome; Hereditary neoplastic syndrome; Neoplastic Syndromes, Hereditary; Tumor predisposition. Identifiers: Orphanet 140162, MedGen C0027672, MeSH D009386, MONDO:0015356.

Allele frequency attached by ClinVar (database versions not stated): gnomAD exomes below 0.00001; TOPMed below 0.00001; ESP Exome Variant Server 0.00008.
gnomAD v4.1: 1 of 1,613,968 alleles (0.000062%); highest among the groups gnomAD compares: Non-Finnish European, 0.000085%; no homozygotes.

Submissions (3):

Labcorp Genetics (formerly Invitae), Labcorp
Classification: Likely benign for Pheochromocytoma/paraganglioma syndrome 5; Mitochondrial complex II deficiency, nuclear type 1. Last evaluated: 2025-11-03. Review status: criteria provided, single submitter. Criteria: Invitae Variant Classification Sherloc (09022015). Collection method: clinical testing. Allele origin: germline.

Myriad Genetics, Inc.
Classification: Benign for Pheochromocytoma/paraganglioma syndrome 5. Last evaluated: 2025-03-04. Review status: criteria provided, single submitter. Criteria: Myriad Autosomal Dominant, Autosomal Recessive and X-Linked Classification Criteria (2023). Collection method: clinical testing. Allele origin: unknown.
Comment: This variant is considered benign. This variant is a silent/synonymous amino acid change and it is not expected to impact splicing.

Ambry Genetics
Classification: Likely benign for Hereditary cancer-predisposing syndrome. Last evaluated: 2020-12-08. Review status: criteria provided, single submitter. Criteria: Ambry Variant Classification Scheme 2023. Collection method: clinical testing. Allele origin: germline.

NM_004168.4(SDHA):c.882G>A (p.Gln294=)

Gene: SDHA (succinate dehydrogenase complex flavoprotein subunit A; plus strand). Cytogenetic location: 5p15.33.
Variant type: single nucleotide variant.
Coding change: c.882G>A on transcript NM_004168.4 (MANE Select); coding-DNA position 882, G replaced by A.
Protein change: p.Gln294=; no amino-acid change (glutamine 294 retained).
Molecular consequence: synonymous variant.
Genome position (GRCh38, 1-based): chr5:230,987, G>A. VCF-style: chr5-230987-G-A. GRCh37 (hg19) VCF-style: chr5-231102-G-A.
Other names: c.738G>A, p.Gln246= (NM_001294332.2); c.882G>A, p.Gln294= (NM_001330758.2).
Identifiers: ClinVar variation 1764806 (VCV001764806.8), dbSNP rs371512265, ClinGen allele CA112822570.